The following is an entry in ClinVar:

NM_024514.5(CYP2R1):c.45C>A (p.Gly15=)

Genes: CYP2R1 (cytochrome P450 family 2 subfamily R member 1; minus strand), PDE3B (phosphodiesterase 3B; plus strand). Cytogenetic location: 11p15.2.
Variant type: single nucleotide variant.
Coding change: c.45C>A on transcript NM_024514.5 (MANE Select); coding-DNA position 45, C replaced by A.
Protein change: p.Gly15=; no amino-acid change (glycine 15 retained).
Molecular consequence: synonymous variant. On other transcripts: intron variant (1).
Genome position (GRCh38, 1-based): chr11:14,892,161, G>T on the plus strand (C>A on the coding strand, the complement: CYP2R1 is on the minus strand). VCF-style: chr11-14892161-G-T. GRCh37 (hg19) VCF-style: chr11-14913707-G-T.
Other names: c.-121+204C>A (NM_001400558.1).
Identifiers: ClinVar variation 3033571 (VCV003033571.2), dbSNP rs377528000, ClinGen allele CA5896817.

ClinVar aggregate classification (germline): Likely benign (0 of 4 stars; one submission).

Conditions:
CYP2R1-related disorder. Also called: CYP2R1-related condition.

Allele frequency attached by ClinVar (database versions not stated): ESP Exome Variant Server 0.00008.
gnomAD v4.1: 2 of 1,610,742 alleles (0.00012%); highest among the groups gnomAD compares: East Asian, 0.0022%; no homozygotes.

Submission:

PreventionGenetics, part of Exact Sciences
Classification: Likely benign for CYP2R1-related condition. Last evaluated: 2019-06-13. Review status: no assertion criteria provided. Collection method: clinical testing. Allele origin: germline.
Comment: This variant is classified as likely benign based on ACMG/AMP sequence variant interpretation guidelines (Richards et al. 2015 PMID: 25741868, with internal and published modifications).